The following is an entry in ClinVar:

NM_024675.4(PALB2):c.2111T>A (p.Leu704His)

Gene: PALB2 (partner and localizer of BRCA2; minus strand). Cytogenetic location: 16p12.2.
Variant type: single nucleotide variant.
Coding change: c.2111T>A on transcript NM_024675.4 (MANE Select); coding-DNA position 2111, T replaced by A.
Protein change: p.Leu704His; replaces leucine 704 with histidine.
Molecular consequence: missense variant.
Genome position (GRCh38, 1-based): chr16:23,630,043, A>T on the plus strand (T>A on the coding strand, the complement: PALB2 is on the minus strand). VCF-style: chr16-23630043-A-T. GRCh37 (hg19) VCF-style: chr16-23641364-A-T.
Other names: short protein forms L704H.
Identifiers: ClinVar variation 1332366 (VCV001332366.2), dbSNP rs1555460489, ClinGen allele CA395125773.
Genomic context (GRCh38, chr16:23,630,043, plus strand): 5'-CACATGTCTGTGGTAGGCCTGTCATTATCATCAGGCGCAACCGTATTTAAAGGAGTATAA[A>T]GTAATATGGATGAAGAAAGGCCCGTCTTTGTATGCTGGCTTTGCGAGTTTGGCCTTTTGG-3'
Protein context (NP_078951.2, residues 694-714): TKTGLSSSIL[Leu704His]YTPLNTVAPD

ClinVar aggregate classification (germline): Uncertain significance (1 of 4 stars; one submission).

Conditions:
Hereditary cancer-predisposing syndrome. Also called: Tumor predisposition; Hereditary Cancer Syndrome; Neoplastic Syndromes, Hereditary; Hereditary neoplastic syndrome. Identifiers: Orphanet 140162, MedGen C0027672, MeSH D009386, MONDO:0015356.

Submission:

Color Diagnostics, LLC DBA Color Health
Classification: Uncertain significance for Hereditary cancer-predisposing syndrome. Last evaluated: 2021-05-18. Review status: criteria provided, single submitter. Criteria: ACMG Guidelines, 2015. Collection method: clinical testing. Allele origin: germline.
Comment: This missense variant replaces leucine with histidine at codon 704 of the PALB2 protein. Computational prediction suggests that this variant may not impact protein structure and function (internally defined REVEL score threshold <= 0.5, PMID: 27666373). To our knowledge, functional studies have not been reported for this variant. This variant has not been reported in individuals affected with hereditary cancer in the literature. This variant has not been identified in the general population by the Genome Aggregation Database (gnomAD). The available evidence is insufficient to determine the role of this variant in disease conclusively. Therefore, this variant is classified as a Variant of Uncertain Significance.